The following is an entry in ClinVar:

ClinVar aggregate classification (germline): Uncertain significance (1 of 4 stars; one submission).

Conditions:
Wiedemann-Steiner syndrome (WDSTS). Also called: Growth deficiency and mental retardation with facial dysmorphism. Identifiers: Orphanet 319182, MedGen C1854630, MONDO:0011518, OMIM 605130.

Submission:

Dasa
Classification: Uncertain significance for Wiedemann-Steiner syndrome. Last evaluated: 2026-04-09. Review status: criteria provided, single submitter. Criteria: DASA Assertion Criteria. Collection method: clinical testing. Allele origin: germline.
Comment: NM_001197104.2(KMT2A):c.1823G>C (p.Arg608Pro) is a missense variant that results in the substitution of arginine with proline. This variant is absent from population databases. Computational prediction algorithms are consistent with a deleterious effect. The currently available literature and clinical evidence are not sufficient to establish a definitive association between this variant and the reported condition. Therefore, this variant is classified as a variant of uncertain significance.

NM_001197104.2(KMT2A):c.1823G>C (p.Arg608Pro)

Gene: KMT2A (lysine methyltransferase 2A; plus strand). Cytogenetic location: 11q23.3.
Variant type: single nucleotide variant.
Coding change: c.1823G>C on transcript NM_001197104.2 (MANE Select); coding-DNA position 1823, G replaced by C.
Protein change: p.Arg608Pro; replaces arginine 608 with proline.
Molecular consequence: missense variant.
Genome position (GRCh38, 1-based): chr11:118,472,982, G>C. VCF-style: chr11-118472982-G-C. GRCh37 (hg19) VCF-style: chr11-118343697-G-C.
Other names: c.1922G>C, p.Arg641Pro (NM_001412597.1); c.1823G>C, p.Arg608Pro (NM_005933.4); short protein forms R608P, R641P.
Identifiers: ClinVar variation 4882618 (VCV004882618.2).